The following is an entry in ClinVar:

ClinVar aggregate classification (germline): Uncertain significance (1 of 4 stars; one submission).

Submission:

Labcorp Genetics (formerly Invitae), Labcorp
Classification: Uncertain significance. Last evaluated: 2022-06-22. Review status: criteria provided, single submitter. Criteria: Invitae Variant Classification Sherloc (09022015). Collection method: clinical testing. Allele origin: germline.
Comment: This variant is not present in population databases (gnomAD no frequency). This variant has not been reported in the literature in individuals affected with CTNNA1-related conditions. Algorithms developed to predict the effect of missense changes on protein structure and function are either unavailable or do not agree on the potential impact of this missense change (SIFT: "Deleterious"; PolyPhen-2: "Benign"; Align-GVGD: "Class C0"). In summary, the available evidence is currently insufficient to determine the role of this variant in disease. Therefore, it has been classified as a Variant of Uncertain Significance. This sequence change replaces aspartic acid, which is acidic and polar, with asparagine, which is neutral and polar, at codon 707 of the CTNNA1 protein (p.Asp707Asn).

NM_001903.5(CTNNA1):c.2119G>A (p.Asp707Asn)

Gene: CTNNA1 (catenin alpha 1; plus strand). Cytogenetic location: 5q31.2.
Variant type: single nucleotide variant.
Coding change: c.2119G>A on transcript NM_001903.5 (MANE Select); coding-DNA position 2119, G replaced by A.
Protein change: p.Asp707Asn; replaces aspartic acid 707 with asparagine.
Molecular consequence: missense variant.
Genome position (GRCh38, 1-based): chr5:138,930,581, G>A. VCF-style: chr5-138930581-G-A. GRCh37 (hg19) VCF-style: chr5-138266270-G-A.
Other names: c.2119G>A, p.Asp707Asn (NM_001290307.3, NM_001323982.2, NM_001323983.1 and 2 more transcripts); c.1810G>A, p.Asp604Asn (NM_001290309.3); c.1750G>A, p.Asp584Asn (NM_001290310.3); c.1009G>A, p.Asp337Asn (NM_001290312.1, NM_001323987.1, NM_001323988.1 and 17 more transcripts); c.2026G>A, p.Asp676Asn (NM_001323986.2); c.670G>A, p.Asp224Asn (NM_001324006.1, NM_001324007.1, NM_001324008.1 and 2 more transcripts); c.916G>A, p.Asp306Asn (NM_001324011.1); c.766G>A, p.Asp256Asn (NM_001324012.1, NM_001324013.1); short protein forms D256N, D604N, D337N, D707N, D306N, D224N, D584N, D676N.
Identifiers: ClinVar variation 2009036 (VCV002009036.4), dbSNP rs2533849929, ClinGen allele CA361133548.